The following is an entry in ClinVar:

NM_001347702.2(SYNE1):c.1507T>G (p.Ser503Ala)

Gene: SYNE1 (spectrin repeat containing nuclear envelope protein 1; minus strand). Cytogenetic location: 6q25.2.
Variant type: single nucleotide variant.
Coding change: c.1507T>G on transcript NM_001347702.2 (MANE Plus Clinical); coding-DNA position 1507, T replaced by G.
Protein change: p.Ser503Ala; replaces serine 503 with alanine.
Molecular consequence: missense variant. On other transcripts: intron variant (2).
Genome position (GRCh38, 1-based): chr6:152,145,490, A>C on the plus strand (T>G on the coding strand, the complement: SYNE1 is on the minus strand). VCF-style: chr6-152145490-A-C. GRCh37 (hg19) VCF-style: chr6-152466625-A-C.
Other names: c.24829T>G, p.Ser8277Ala (NM_033071.5); c.24977-1725T>G (NM_182961.4); c.1583-1725T>G (NM_001347701.2); short protein forms S503A, S8277A.
Identifiers: ClinVar variation 3899030 (VCV003899030.1).

ClinVar aggregate classification (germline): Uncertain significance (1 of 4 stars; one submission).

Submission:

GeneDx
Classification: Uncertain significance. Last evaluated: 2024-11-11. Review status: criteria provided, single submitter. Criteria: GeneDx Variant Classification Process June 2021. Collection method: clinical testing. Allele origin: germline. Affected: yes.
Comment: Not observed at significant frequency in large population cohorts (gnomAD); In silico analysis indicates that this missense variant does not alter protein structure/function; Has not been previously published as pathogenic or benign to our knowledge